The following is an entry in ClinVar:

NM_170707.4(LMNA):c.1342G>T (p.Glu448Ter)

Gene: LMNA (lamin A/C; plus strand). Cytogenetic location: 1q22.
Variant type: single nucleotide variant.
Coding change: c.1342G>T on transcript NM_170707.4 (MANE Select); coding-DNA position 1342, G replaced by T.
Protein change: p.Glu448Ter; replaces glutamic acid 448 with a stop codon.
Molecular consequence: nonsense.
Genome position (GRCh38, 1-based): chr1:156,136,398, G>T. VCF-style: chr1-156136398-G-T. GRCh37 (hg19) VCF-style: chr1-156106189-G-T.
Other names: c.1006G>T, p.Glu336Ter (NM_001257374.3); c.1099G>T, p.Glu367Ter (NM_001282624.2); c.1342G>T, p.Glu448Ter (NM_001282625.2, NM_001282626.2, NM_005572.4 and 1 more transcripts); short protein forms E336*, E367*, E448*.
Identifiers: ClinVar variation 1324670 (VCV001324670.8), dbSNP rs2102891243, ClinGen allele CA342822109.

ClinVar aggregate classification (germline): Pathogenic/Likely pathogenic. Review status: criteria provided, multiple submitters, no conflicts (2 of 4 stars). 2 submissions from 2 submitters: Pathogenic (1); Likely pathogenic (1). Last evaluated 2023-12-01.

Conditions:
Charcot-Marie-Tooth disease type 2. Also called: Charcot-Marie-Tooth type 2. Identifiers: Orphanet 64746, MedGen C0270914, MONDO:0018993.

Submissions (2):

Labcorp Genetics (formerly Invitae), Labcorp
Classification: Pathogenic for Charcot-Marie-Tooth disease type 2. Last evaluated: 2023-12-01. Review status: criteria provided, single submitter. Criteria: Invitae Variant Classification Sherloc (09022015). Collection method: clinical testing. Allele origin: germline.
Comment: This sequence change creates a premature translational stop signal (p.Glu448*) in the LMNA gene. It is expected to result in an absent or disrupted protein product. Loss-of-function variants in LMNA are known to be pathogenic (PMID: 18585512, 18926329). This variant is not present in population databases (gnomAD no frequency). This variant has not been reported in the literature in individuals affected with LMNA-related conditions. ClinVar contains an entry for this variant (Variation ID: 1324670). For these reasons, this variant has been classified as Pathogenic.

Revvity Omics, Revvity
Classification: Likely pathogenic. Last evaluated: 2021-06-07. Review status: criteria provided, single submitter. Criteria: ACMG Guidelines, 2015. Collection method: clinical testing. Allele origin: germline.

Literature cited by the submitters: PubMed 18585512 (cited by Labcorp Genetics (formerly Invitae), Labcorp); PubMed 18926329 (cited by Labcorp Genetics (formerly Invitae), Labcorp).